The following is an entry in ClinVar:

NM_004738.5(VAPB):c.194C>T (p.Ala65Val)

Gene: VAPB (VAMP associated protein B and C; plus strand). Cytogenetic location: 20q13.32.
Variant type: single nucleotide variant.
Coding change: c.194C>T on transcript NM_004738.5 (MANE Select); coding-DNA position 194, C replaced by T.
Protein change: p.Ala65Val; replaces alanine 65 with valine.
Molecular consequence: missense variant. On other transcripts: non-coding transcript variant (1).
Genome position (GRCh38, 1-based): chr20:58,418,346, C>T. VCF-style: chr20-58418346-C-T. GRCh37 (hg19) VCF-style: chr20-56993402-C-T.
Other names: c.194C>T, p.Ala65Val (NM_001195677.2); short protein forms A65V.
Identifiers: ClinVar variation 534269 (VCV000534269.10), dbSNP rs1555813002, ClinGen allele CA409442780.
Genomic context (GRCh38, chr20:58,418,346, plus strand): 5'-AGACTACAGCACCACGTAGGTACTGTGTGAGGCCCAACAGCGGAATCATCGATGCAGGGG[C>T]CTCAATTAATGTATCTGGTAAGTCCTGAGACTGGAGGCCTAGAGGGTGGGCTCAGAAGGC-3'
Protein context (NP_004729.1, residues 55-75): RPNSGIIDAG[Ala65Val]SINVSVMLQP

ClinVar aggregate classification (germline): Uncertain significance (1 of 4 stars; one submission).

Conditions:
Amyotrophic lateral sclerosis type 8 (ALS8). Identifiers: Orphanet 803, MedGen C1837728, MONDO:0012077, OMIM 608627.
Adult-onset proximal spinal muscular atrophy, autosomal dominant. Also called: FINKEL LATE-ADULT TYPE SMA; Spinal muscular atrophy, late-onset, finkel type. Identifiers: Orphanet 209335, MedGen C1854058, MONDO:0008453, OMIM 182980.

Submission:

Labcorp Genetics (formerly Invitae), Labcorp
Classification: Uncertain significance for Adult-onset proximal spinal muscular atrophy, autosomal dominant; Amyotrophic lateral sclerosis type 8. Last evaluated: 2018-11-01. Review status: criteria provided, single submitter. Criteria: Invitae Variant Classification Sherloc (09022015). Collection method: clinical testing. Allele origin: germline.
Comment: In summary, the available evidence is currently insufficient to determine the role of this variant in disease. Therefore, it has been classified as a Variant of Uncertain Significance. Algorithms developed to predict the effect of missense changes on protein structure and function (SIFT, PolyPhen-2, Align-GVGD) all suggest that this variant is likely to be tolerated, but these predictions have not been confirmed by published functional studies and their clinical significance is uncertain. This variant has not been reported in the literature in individuals with VAPB-related disease. This variant is not present in population databases (ExAC no frequency). This sequence change replaces alanine with valine at codon 65 of the VAPB protein (p.Ala65Val). The alanine residue is weakly conserved and there is a small physicochemical difference between alanine and valine.